The following is an entry in ClinVar:

NM_001040142.2(SCN2A):c.4864C>T (p.Pro1622Ser)

Gene: SCN2A (sodium voltage-gated channel alpha subunit 2; plus strand). Cytogenetic location: 2q24.3.
Variant type: single nucleotide variant.
Coding change: c.4864C>T on transcript NM_001040142.2 (MANE Select); coding-DNA position 4864, C replaced by T.
Protein change: p.Pro1622Ser; replaces proline 1622 with serine.
Molecular consequence: missense variant.
Genome position (GRCh38, 1-based): chr2:165,388,670, C>T. VCF-style: chr2-165388670-C-T. GRCh37 (hg19) VCF-style: chr2-166245180-C-T.
Other names: P1622S; c.4864C>T, p.Pro1622Ser (NM_001040143.2, NM_001371246.1, NM_001371247.1 and 1 more transcripts).
Identifiers: ClinVar variation 932957 (VCV000932957.8), dbSNP rs2468157284, ClinGen allele CA349037635.

ClinVar aggregate classification (germline): Pathogenic. Review status: criteria provided, single submitter (1 of 4 stars). 2 submissions from 2 submitters: Pathogenic (1). 1 of the submissions does not count toward it. Last evaluated 2024-01-12.

Conditions:
Developmental and epileptic encephalopathy, 11 (DEE11). Also called: Early infantile epileptic encephalopathy 11. Identifiers: Orphanet 1934, MedGen C3150987, MONDO:0013388, OMIM 613721.
Seizures, benign familial infantile, 3 (BFIS3). Also called: Familial neonatal seizures; CONVULSIONS, BENIGN FAMILIAL INFANTILE, 3. Identifiers: Orphanet 140927, Orphanet 306, MedGen C1843140, MONDO:0011904, OMIM 607745.

Submissions (3):

Labcorp Genetics (formerly Invitae), Labcorp
Classification: Pathogenic for Seizures, benign familial infantile, 3; Developmental and epileptic encephalopathy, 11. Last evaluated: 2024-01-12. Review status: criteria provided, single submitter. Criteria: Invitae Variant Classification Sherloc (09022015). Collection method: clinical testing. Allele origin: germline.
Comment: This sequence change replaces proline, which is neutral and non-polar, with serine, which is neutral and polar, at codon 1622 of the SCN2A protein (p.Pro1622Ser). This variant is not present in population databases (gnomAD no frequency). This missense change has been observed in individual(s) with clinical features of SCN2A-related conditions (PMID: 28379373). In at least one individual the variant was observed to be de novo. ClinVar contains an entry for this variant (Variation ID: 932957). Advanced modeling of protein sequence and biophysical properties (such as structural, functional, and spatial information, amino acid conservation, physicochemical variation, residue mobility, and thermodynamic stability) performed at Invitae indicates that this missense variant is expected to disrupt SCN2A protein function with a positive predictive value of 95%. Experimental studies have shown that this missense change affects SCN2A function (PMID: 28379373). For these reasons, this variant has been classified as Pathogenic.

OMIM
Classification: Pathogenic for DEVELOPMENTAL AND EPILEPTIC ENCEPHALOPATHY 11. Last evaluated: 2020-10-19. Review status: no assertion criteria provided. Collection method: literature only. Allele origin: germline. Not counted in ClinVar's aggregate classification.

Channelopathy-Associated Epilepsy Research Center
No classification provided (evidence only). Condition: Complex neurodevelopmental disorder. Review status: no classification provided. Collection method: literature only. Allele origin: not applicable. Functional consequence: Normal peak current, Normal persistent current, Normal slope of activation, Normal voltage dependence of activation, Increase in slope of activation, Severe hyperpolarizing shift of voltage dependence of fast inactivation, Increase in slope of fast inactivation, Acceleration of fast inactivation, Mild-moderate slowing of recovery from fast inactivation, Overall loss-of-function. Not counted in ClinVar's aggregate classification.
ClinVar note: "not provided" was previously submitted as the classification for the variant. However, the classification appeared to be based only on an observation of functional data so it was converted to no classification on 2025-07-30.

Literature cited by the submitters: PubMed 28379373 (cited by 3 submitters).